The following is an entry in ClinVar:

NM_001378183.1(PIEZO2):c.3123+9C>T

Gene: PIEZO2 (piezo type mechanosensitive ion channel component 2; minus strand). Cytogenetic location: 18p11.22.
Variant type: single nucleotide variant.
Coding change: c.3123+9C>T on transcript NM_001378183.1 (MANE Select); 9 bases into the intron after coding-DNA position 3123, C replaced by T.
Molecular consequence: intron variant.
Genome position (GRCh38, 1-based): chr18:10,762,913, G>A on the plus strand (C>T on the coding strand, the complement: PIEZO2 is on the minus strand). VCF-style: chr18-10762913-G-A. GRCh37 (hg19) VCF-style: chr18-10762911-G-A.
Other names: c.3048+9C>T (NM_022068.4); c.3123+9C>T (NM_001410871.1).
Identifiers: ClinVar variation 3051703 (VCV003051703.3), dbSNP rs184076139, ClinGen allele CA8892587.
Genomic context (GRCh38, chr18:10,762,913, plus strand): 5'-GGTTCCCCAAGTATCTGCCTTGCTTTGCTAAAGGGCAGTCAGGAATATTCCCCCATCACC[G>A]AGGCTCACCAAGGAACAGTTAACAGAGAAGTTCTCAGGCTTAATGGTTTGGAGCTGGTAC-3'

ClinVar aggregate classification (germline): Likely benign. Review status: criteria provided, single submitter (1 of 4 stars). 2 submissions from 2 submitters: Likely benign (1). 1 of the submissions does not count toward it. Last evaluated 2025-02-10.

Conditions:
PIEZO2-related disorder. Also called: PIEZO2-related disorders; PIEZO2-related condition.

Allele frequency attached by ClinVar (database versions not stated): TOPMed 0.00008; gnomAD 0.00013; ESP Exome Variant Server 0.00022; ExAC 0.00027; 1000 Genomes Project 0.00060; 1000 Genomes Project 30x 0.00094.
gnomAD v4.1: 150 of 1,535,734 alleles (0.0098%); highest among the groups gnomAD compares: Non-Finnish European, 0.0099%; no homozygotes.

Submissions (2):

Women's Health and Genetics/Laboratory Corporation of America, LabCorp
Classification: Likely benign. Last evaluated: 2025-02-10. Review status: criteria provided, single submitter. Criteria: LabCorp Variant Classification Summary - May 2015. Collection method: clinical testing. Allele origin: germline.

PreventionGenetics, part of Exact Sciences
Classification: Likely benign for PIEZO2-related condition. Last evaluated: 2020-01-08. Review status: no assertion criteria provided. Collection method: clinical testing. Allele origin: germline. Not counted in ClinVar's aggregate classification.
Comment: This variant is classified as likely benign based on ACMG/AMP sequence variant interpretation guidelines (Richards et al. 2015 PMID: 25741868, with internal and published modifications).